The following is an entry in ClinVar:

NM_021147.5(CCNO):c.787C>T (p.Arg263Trp)

Gene: CCNO (cyclin O; minus strand). Cytogenetic location: 5q11.2.
Variant type: single nucleotide variant.
Coding change: c.787C>T on transcript NM_021147.5 (MANE Select); coding-DNA position 787, C replaced by T.
Protein change: p.Arg263Trp; replaces arginine 263 with tryptophan.
Molecular consequence: missense variant. On other transcripts: non-coding transcript variant (3).
Genome position (GRCh38, 1-based): chr5:55,231,641, G>A on the plus strand (C>T on the coding strand, the complement: CCNO is on the minus strand). VCF-style: chr5-55231641-G-A. GRCh37 (hg19) VCF-style: chr5-54527469-G-A.
Other names: c.787C>T (NM_021147.3); short protein forms R263W.
Identifiers: ClinVar variation 454918 (VCV000454918.8), dbSNP rs771099683, ClinGen allele CA3266683.

ClinVar aggregate classification (germline): Uncertain significance. Review status: criteria provided, multiple submitters, no conflicts (2 of 4 stars). 2 submissions from 2 submitters: Uncertain significance (2). Last evaluated 2023-11-21.

Conditions:
Inborn genetic diseases. Identifiers: MedGen C0950123, MeSH D030342.
Primary ciliary dyskinesia. Also called: Ciliary dyskinesia. Identifiers: Orphanet 244, MedGen C0008780, MONDO:0016575, HP:0012265.

Allele frequency attached by ClinVar (database versions not stated): TOPMed 0.00001; ExAC 0.00002; gnomAD exomes 0.00002 and 0.00003; gnomAD 0.00003.

Submissions (2):

Ambry Genetics
Classification: Uncertain significance for Inborn genetic diseases. Last evaluated: 2023-11-21. Review status: criteria provided, single submitter. Criteria: Ambry Variant Classification Scheme 2023. Collection method: clinical testing. Allele origin: germline.

Labcorp Genetics (formerly Invitae), Labcorp
Classification: Uncertain significance for Primary ciliary dyskinesia. Last evaluated: 2017-03-21. Review status: criteria provided, single submitter. Criteria: Invitae Variant Classification Sherloc (09022015). Collection method: clinical testing. Allele origin: germline.
Comment: This sequence change replaces arginine with tryptophan at codon 263 of the CCNO protein (p.Arg263Trp). The arginine residue is moderately conserved and there is a moderate physicochemical difference between arginine and tryptophan. This variant is present in population databases (rs771099683, ExAC 0.03%) but has not been reported in the literature in individuals with a CCNO-related disease. Algorithms developed to predict the effect of missense changes on protein structure and function do not agree on the potential impact of this missense change (SIFT: "Deleterious"; PolyPhen-2: "Polymorphism"; Align-GVGD: "Class C0"). In summary, this variant is a rare missense change with uncertain impact on protein function. There is no indication that it causes disease, but the available evidence is currently insufficient to prove that conclusively. Therefore, it has been classified as a Variant of Uncertain Significance.